The following is an entry in ClinVar:

NM_004333.6(BRAF):c.342T>G (p.Ser114=)

Gene: BRAF (B-Raf proto-oncogene, serine/threonine kinase; minus strand). Cytogenetic location: 7q34.
Variant type: single nucleotide variant.
Coding change: c.342T>G on transcript NM_004333.6 (MANE Select); coding-DNA position 342, T replaced by G.
Protein change: p.Ser114=; no amino-acid change (serine 114 retained).
Molecular consequence: synonymous variant. On other transcripts: intron variant (1).
Genome position (GRCh38, 1-based): chr7:140,834,771, A>C on the plus strand (T>G on the coding strand, the complement: BRAF is on the minus strand). VCF-style: chr7-140834771-A-C. GRCh37 (hg19) VCF-style: chr7-140534571-A-C.
Other names: c.342T>G, p.Ser114= (NM_001354609.2, NM_001374244.1, NM_001374258.1 and 5 more transcripts); c.240T>G, p.Ser80= (NM_001378470.1); c.186T>G, p.Ser62= (NM_001378472.1, NM_001378473.1); c.240+15340T>G (NM_001378475.1).
Identifiers: ClinVar variation 4084485 (VCV004084485.8).

ClinVar aggregate classification (germline): Likely benign (1 of 4 stars; one submission).

gnomAD v4.1: 2 of 1,614,104 alleles (0.00012%); highest among the groups gnomAD compares: African/African-American, 0.0013%; no homozygotes.

Submission:

CeGaT Center for Human Genetics Tuebingen
Classification: Likely benign. Last evaluated: 2025-07-01. Review status: criteria provided, single submitter. Criteria: CeGaT Center For Human Genetics Tuebingen Variant Classification Criteria Version 2. Collection method: clinical testing. Allele origin: germline. Affected: yes. Observed: 1 variant allele.
Comment: BRAF: BP4, BP7